The following is an entry in ClinVar:

NC_000006.11:g.(?_137143759)_(137166840_?)del

Gene: PEX7 (peroxisomal biogenesis factor 7; plus strand). Cytogenetic location: 6q23.3.
Variant type: Deletion.
Identifiers: ClinVar variation 2422816 (VCV002422816.3).

ClinVar aggregate classification (germline): Pathogenic (1 of 4 stars; one submission).

Conditions:
Peroxisome biogenesis disorder 9B. Also called: PEROXISOME BIOGENESIS DISORDER, PEX7-RELATED, ATYPICAL; PEX7-Related Refsum Disease; Refsum disease, adult, 2. Identifiers: Orphanet 773, MedGen C2749346, MONDO:0013945, OMIM 614879.

Submission:

Labcorp Genetics (formerly Invitae), Labcorp
Classification: Pathogenic for Peroxisome biogenesis disorder 9B. Last evaluated: 2022-06-03. Review status: criteria provided, single submitter. Criteria: Invitae Variant Classification Sherloc (09022015). Collection method: clinical testing. Allele origin: germline.
Comment: For these reasons, this variant has been classified as Pathogenic. This variant has not been reported in the literature in individuals affected with PEX7-related conditions. This variant is a gross deletion of the genomic region encompassing exon(s) 1-4 of the PEX7 gene, which includes the initiator codon. This deletion extends beyond the assayed region for this gene and therefore may encompass additional genes. It is expected to result in an absent or disrupted protein product. Loss-of-function variants in PEX7 are known to be pathogenic (PMID: 12325024, 12522768, 20301447).

Literature cited by the submitters: PubMed 12325024; PubMed 12522768; PubMed 20301447.